The following is an entry in ClinVar:

ClinVar aggregate classification (germline): Uncertain significance (1 of 4 stars; one submission).

Allele frequency attached by ClinVar (database versions not stated): gnomAD exomes below 0.00001; gnomAD 0.00001; TOPMed 0.00002.
gnomAD v4.1: 4 of 1,613,068 alleles (0.00025%); highest among the groups gnomAD compares: African/African-American, 0.004%; no homozygotes.

Submission:

Labcorp Genetics (formerly Invitae), Labcorp
Classification: Uncertain significance. Last evaluated: 2024-01-19. Review status: criteria provided, single submitter. Criteria: Invitae Variant Classification Sherloc (09022015). Collection method: clinical testing. Allele origin: germline.
Comment: This sequence change falls in intron 2 of the CAPN1 gene. It does not directly change the encoded amino acid sequence of the CAPN1 protein. It affects a nucleotide within the consensus splice site. This variant is present in population databases (no rsID available, gnomAD 0.01%). This variant has not been reported in the literature in individuals affected with CAPN1-related conditions. ClinVar contains an entry for this variant (Variation ID: 2416432). Variants that disrupt the consensus splice site are a relatively common cause of aberrant splicing (PMID: 17576681, 9536098). Algorithms developed to predict the effect of sequence changes on RNA splicing suggest that this variant is not likely to affect RNA splicing. In summary, the available evidence is currently insufficient to determine the role of this variant in disease. Therefore, it has been classified as a Variant of Uncertain Significance.

Literature cited by the submitters: PubMed 17576681; PubMed 9536098.

NM_005186.4(CAPN1):c.267+6A>C

Gene: CAPN1 (calpain 1; plus strand). Cytogenetic location: 11q13.1.
Variant type: single nucleotide variant.
Coding change: c.267+6A>C on transcript NM_005186.4 (MANE Select); 6 bases into the intron after coding-DNA position 267, A replaced by C.
Molecular consequence: intron variant.
Genome position (GRCh38, 1-based): chr11:65,182,974, A>C. VCF-style: chr11-65182974-A-C. GRCh37 (hg19) VCF-style: chr11-64950445-A-C.
Other names: c.267+6A>C (NM_001198869.2, NM_001198868.2).
Identifiers: ClinVar variation 2416432 (VCV002416432.6), dbSNP rs1226594383, ClinGen allele CA599830751.